The following is an entry in ClinVar:

NM_015272.5(RPGRIP1L):c.3116A>G (p.Gln1039Arg)

Gene: RPGRIP1L (RPGRIP1 like; minus strand). Cytogenetic location: 16q12.2.
Variant type: single nucleotide variant.
Coding change: c.3116A>G on transcript NM_015272.5 (MANE Select); coding-DNA position 3116, A replaced by G.
Protein change: p.Gln1039Arg; replaces glutamine 1039 with arginine.
Molecular consequence: missense variant.
Genome position (GRCh38, 1-based): chr16:53,637,799, T>C on the plus strand (A>G on the coding strand, the complement: RPGRIP1L is on the minus strand). VCF-style: chr16-53637799-T-C. GRCh37 (hg19) VCF-style: chr16-53671711-T-C.
Other names: c.3014A>G, p.Gln1005Arg (NM_001127897.4, NM_001330538.2); c.3116A>G, p.Gln1039Arg (NM_001308334.3); short protein forms Q1005R, Q1039R.
Identifiers: ClinVar variation 813616 (VCV000813616.6), dbSNP rs181022346, ClinGen allele CA8057362.

ClinVar aggregate classification (germline): Uncertain significance. Review status: criteria provided, multiple submitters, no conflicts (2 of 4 stars). 5 submissions from 5 submitters: Uncertain significance (3). 2 of the submissions do not count toward it. Last evaluated 2025-05-08.

Conditions:
COACH syndrome 3. Identifiers: MedGen C5436841, MONDO:0030862, OMIM 619113.
Joubert syndrome 7 (JBTS7). Identifiers: Orphanet 220497, MedGen C1969053, MONDO:0012694, OMIM 611560.
Meckel syndrome, type 5 (MKS5). Identifiers: Orphanet 564, MedGen C1969052, MONDO:0012695, OMIM 611561.
COACH syndrome 1. Identifiers: Orphanet 1454, MedGen C5435651, MONDO:0800103, OMIM 216360, MONDO:0008996.
Meckel-Gruber syndrome. Also called: DYSENCEPHALIA SPLANCHNOCYSTICA; GRUBER SYNDROME; Dysencephalia splachnocystica. Identifiers: Orphanet 564, MedGen C0265215, MONDO:0018921.
Joubert syndrome. Also called: CEREBELLOPARENCHYMAL DISORDER IV; JOUBERT-BOLTSHAUSER SYNDROME; Familial aplasia of the vermis. Identifiers: Orphanet 475, MedGen C5979921, MONDO:0018772.
Microcephaly. Also called: Microcephaly (disease). Identifiers: MedGen C4551563, MONDO:0001149, HP:0000252.

Allele frequency attached by ClinVar (database versions not stated): gnomAD 0.00001; gnomAD exomes 0.00002 and 0.00003; ExAC 0.00003; 1000 Genomes Project 30x 0.00016; 1000 Genomes Project 0.00020.
gnomAD v4.1: 31 of 1,613,396 alleles (0.0019%); highest among the groups gnomAD compares: East Asian, 0.067%; no homozygotes.

Submissions (5):

Labcorp Genetics (formerly Invitae), Labcorp
Classification: Uncertain significance for Joubert syndrome; Meckel-Gruber syndrome. Last evaluated: 2025-05-08. Review status: criteria provided, single submitter. Criteria: Invitae Variant Classification Sherloc (09022015). Collection method: clinical testing. Allele origin: germline.
Comment: This sequence change replaces glutamine, which is neutral and polar, with arginine, which is basic and polar, at codon 1039 of the RPGRIP1L protein (p.Gln1039Arg). This variant is present in population databases (rs181022346, gnomAD 0.04%). This missense change has been observed in individual(s) with Joubert syndrome (PMID: 27434533). ClinVar contains an entry for this variant (Variation ID: 813616). Invitae Evidence Modeling of protein sequence and biophysical properties (such as structural, functional, and spatial information, amino acid conservation, physicochemical variation, residue mobility, and thermodynamic stability) indicates that this missense variant is not expected to disrupt RPGRIP1L protein function with a negative predictive value of 80%. In summary, the available evidence is currently insufficient to determine the role of this variant in disease. Therefore, it has been classified as a Variant of Uncertain Significance.

Fulgent Genetics
Classification: Uncertain significance for Joubert syndrome 7; Meckel syndrome, type 5; COACH syndrome 3. Last evaluated: 2021-12-08. Review status: criteria provided, single submitter. Criteria: ACMG Guidelines, 2015. Collection method: clinical testing. Allele origin: unknown.

New York Genome Center
Classification: Uncertain significance for COACH syndrome 1; Joubert syndrome 7. Last evaluated: 2020-09-23. Review status: criteria provided, single submitter. Criteria: NYGC Assertion Criteria 2020. Collection method: clinical testing. Allele origin: inherited. Observed: 1 heterozygote. Study: CSER-NYCKidSeq.

Natera, Inc.
Classification: Uncertain significance for Joubert syndrome. Last evaluated: 2020-07-30. Review status: no assertion criteria provided. Collection method: clinical testing. Allele origin: germline. Not counted in ClinVar's aggregate classification.

Department of Pediatrics, Samsung Medical Center, Samsung Medical Center
Classification: Uncertain significance for Microcephaly. Review status: no assertion criteria provided. Criteria: ACMG Guidelines, 2015. Collection method: research. Allele origin: germline. Affected: yes. Not counted in ClinVar's aggregate classification.

Literature cited by the submitters: PubMed 27434533 (cited by Labcorp Genetics (formerly Invitae), Labcorp).